The following is an entry in ClinVar:

ClinVar aggregate classification (germline): Likely benign. Review status: criteria provided, multiple submitters, no conflicts (2 of 4 stars). 2 submissions from 2 submitters: Likely benign (2). Last evaluated 2024-11-05.

Conditions:
Giant axonal neuropathy 1 (GAN1). Also called: GAN-Related Neurodegeneration; GIANT AXONAL NEUROPATHY 1, AUTOSOMAL RECESSIVE. Identifiers: Orphanet 643, MedGen C1850386, MONDO:0009749, OMIM 256850.

Allele frequency attached by ClinVar (database versions not stated): gnomAD exomes 0.00001; ExAC 0.00002; TOPMed 0.00010; gnomAD 0.00011; ESP Exome Variant Server 0.00015.
gnomAD v4.1: 27 of 1,613,620 alleles (0.0017%); highest among the groups gnomAD compares: African/African-American, 0.025%; no homozygotes.

Submissions (2):

Labcorp Genetics (formerly Invitae), Labcorp
Classification: Likely benign for Giant axonal neuropathy 1. Last evaluated: 2024-11-05. Review status: criteria provided, single submitter. Criteria: Invitae Variant Classification Sherloc (09022015). Collection method: clinical testing. Allele origin: germline.

CeGaT Center for Human Genetics Tuebingen
Classification: Likely benign. Last evaluated: 2024-01-01. Review status: criteria provided, single submitter. Criteria: CeGaT Center For Human Genetics Tuebingen Variant Classification Criteria Version 2. Collection method: clinical testing. Allele origin: germline. Affected: yes. Observed: 1 variant allele.
Comment: GAN: BP4, BP7

NM_022041.4(GAN):c.672A>G (p.Ser224=)

Gene: GAN (gigaxonin; plus strand). Cytogenetic location: 16q23.2.
Variant type: single nucleotide variant.
Coding change: c.672A>G on transcript NM_022041.4 (MANE Select); coding-DNA position 672, A replaced by G.
Protein change: p.Ser224=; no amino-acid change (serine 224 retained).
Molecular consequence: synonymous variant.
Genome position (GRCh38, 1-based): chr16:81,356,823, A>G. VCF-style: chr16-81356823-A-G. GRCh37 (hg19) VCF-style: chr16-81390428-A-G.
Other names: c.33A>G, p.Ser11= (NM_001377486.1).
Identifiers: ClinVar variation 1641459 (VCV001641459.30), dbSNP rs143692174, ClinGen allele CA8191449.